The following is an entry in ClinVar:

NM_015570.4(AUTS2):c.2726A>C (p.His909Pro)

Gene: AUTS2 (activator of transcription and developmental regulator AUTS2; plus strand). Cytogenetic location: 7q11.22.
Variant type: single nucleotide variant.
Coding change: c.2726A>C on transcript NM_015570.4 (MANE Select); coding-DNA position 2726, A replaced by C.
Protein change: p.His909Pro; replaces histidine 909 with proline.
Molecular consequence: missense variant.
Genome position (GRCh38, 1-based): chr7:70,789,942, A>C. VCF-style: chr7-70789942-A-C. GRCh37 (hg19) VCF-style: chr7-70254928-A-C.
Other names: c.2654A>C, p.His885Pro (NM_001127231.3); short protein forms H885P, H909P.
Identifiers: ClinVar variation 2578070 (VCV002578070.1), dbSNP rs1791778968, ClinGen allele CA367664705.

ClinVar aggregate classification (germline): Uncertain significance (1 of 4 stars; one submission).

Allele frequency attached by ClinVar (database versions not stated): gnomAD exomes below 0.00001; TOPMed below 0.00001.
gnomAD v4.1: 1 of 1,613,968 alleles (0.000062%); highest among the groups gnomAD compares: Admixed American, 0.0017%; no homozygotes.

Submission:

GeneDx
Classification: Uncertain significance. Last evaluated: 2023-03-02. Review status: criteria provided, single submitter. Criteria: GeneDx Variant Classification Process June 2021. Collection method: clinical testing. Allele origin: germline. Affected: yes.
Comment: Not observed at significant frequency in large population cohorts (gnomAD); In silico analysis supports that this missense variant has a deleterious effect on protein structure/function; Has not been previously published as pathogenic or benign to our knowledge